The following is an entry in ClinVar:

NM_003070.5(SMARCA2):c.35A>G (p.His12Arg)

Gene: SMARCA2 (SWI/SNF related BAF chromatin remodeling complex subunit ATPase 2; plus strand). Cytogenetic location: 9p24.3.
Variant type: single nucleotide variant.
Coding change: c.35A>G on transcript NM_003070.5 (MANE Select); coding-DNA position 35, A replaced by G.
Protein change: p.His12Arg; replaces histidine 12 with arginine.
Molecular consequence: missense variant.
Genome position (GRCh38, 1-based): chr9:2,029,057, A>G. VCF-style: chr9-2029057-A-G. GRCh37 (hg19) VCF-style: chr9-2029057-A-G.
Other names: c.35A>G (NM_003070.4); c.35A>G, p.His12Arg (NM_001289396.2, NM_001289397.2, NM_139045.4); short protein forms H12R.
Identifiers: ClinVar variation 3445944 (VCV003445944.2).
Genomic context (GRCh38, chr9:2,029,057, plus strand): 5'-CTGACTGGCAGAGACAGGAGAGGTAGATGTCCACGCCCACAGACCCTGGTGCGATGCCCC[A>G]CCCAGGGCCTTCGCCGGGGCCTGGGCCTTCCCCTGGGCCAATTCTTGGGCCTAGTCCAGG-3'
Protein context (NP_003061.3, residues 2-22): STPTDPGAMP[His12Arg]PGPSPGPGPS

ClinVar aggregate classification (germline): Uncertain significance. Review status: criteria provided, multiple submitters, no conflicts (2 of 4 stars). 2 submissions from 2 submitters: Uncertain significance (2). Last evaluated 2025-09-11.

Conditions:
SMARCA2-related disorder. Also called: SMARCA2-related condition.
Inborn genetic diseases. Identifiers: MedGen C0950123, MeSH D030342.

Submissions (2):

PreventionGenetics, part of Exact Sciences
Classification: Uncertain significance for SMARCA2-related condition. Last evaluated: 2025-09-11. Review status: criteria provided, single submitter. Criteria: ACMG Guidelines, 2015. Collection method: clinical testing. Allele origin: germline.
Comment: The SMARCA2 c.35A>G variant is predicted to result in the amino acid substitution p.His12Arg. To our knowledge, this variant has not been reported in the literature. This variant is reported in 0.0% of alleles in individuals of African descent in gnomAD. At this time, the clinical significance of this variant is uncertain due to the absence of conclusive functional and genetic evidence.

Ambry Genetics
Classification: Uncertain significance for Inborn genetic diseases. Last evaluated: 2024-11-23. Review status: criteria provided, single submitter. Criteria: Ambry Variant Classification Scheme 2023. Collection method: clinical testing. Allele origin: germline.